The following is an entry in ClinVar:

NM_001382567.1(STIM1):c.1593G>A (p.Arg531=)

Gene: STIM1 (stromal interaction molecule 1; plus strand). Cytogenetic location: 11p15.4.
Variant type: single nucleotide variant.
Coding change: c.1593G>A on transcript NM_001382567.1 (MANE Select); coding-DNA position 1593, G replaced by A.
Protein change: p.Arg531=; no amino-acid change (arginine 531 retained).
Molecular consequence: synonymous variant. On other transcripts: non-coding transcript variant (3).
Genome position (GRCh38, 1-based): chr11:4,086,502, G>A. VCF-style: chr11-4086502-G-A. GRCh37 (hg19) VCF-style: chr11-4107732-G-A.
Other names: c.1500G>A, p.Arg500= (NM_001277961.3, NM_001277962.2, NM_003156.4); c.1278G>A, p.Arg426= (NM_001382566.1, NM_001382575.1, NM_001382576.1 and 3 more transcripts); c.1521G>A, p.Arg507= (NM_001382568.1); c.1365G>A, p.Arg455= (NM_001382569.1); c.1272G>A, p.Arg424= (NM_001382570.1); c.1020G>A, p.Arg340= (NM_001382571.1); c.1011G>A, p.Arg337= (NM_001382580.1, NM_001382581.1).
Identifiers: ClinVar variation 514767 (VCV000514767.12), dbSNP rs765806444, ClinGen allele CA5830512.

ClinVar aggregate classification (germline): Likely benign. Review status: criteria provided, multiple submitters, no conflicts (2 of 4 stars). 3 submissions from 3 submitters: Likely benign (2). 1 of the submissions does not count toward it. Last evaluated 2024-10-22.

Conditions:
Myopathy with tubular aggregates (TAM). Also called: Tubular Aggregate Myopathy. Identifiers: Orphanet 2593, MedGen C0410207, MONDO:0008051.
Combined immunodeficiency due to STIM1 deficiency. Also called: IMMUNODEFICIENCY 10; STIM1 DEFICIENCY. Identifiers: Orphanet 169090, Orphanet 317430, MedGen C2748557, MONDO:0013008, OMIM 612783.
Stormorken syndrome (STRMK). Also called: THROMBOCYTOPATHY, ASPLENIA, AND MIOSIS. Identifiers: Orphanet 3204, MedGen C1861451, MONDO:0008497, OMIM 185070.
STIM1-related disorder. Also called: STIM1-related condition.

Allele frequency attached by ClinVar (database versions not stated): gnomAD exomes 0.00001; ExAC 0.00001.
gnomAD v4.1: 13 of 1,614,140 alleles (0.00081%); highest among the groups gnomAD compares: Middle Eastern, 0.016%; 1 homozygote.

Submissions (3):

Labcorp Genetics (formerly Invitae), Labcorp
Classification: Likely benign for Myopathy with tubular aggregates; Combined immunodeficiency due to STIM1 deficiency; Stormorken syndrome. Last evaluated: 2024-10-22. Review status: criteria provided, single submitter. Criteria: Invitae Variant Classification Sherloc (09022015). Collection method: clinical testing. Allele origin: germline.

GeneDx
Classification: Likely benign. Last evaluated: 2018-01-15. Review status: criteria provided, single submitter. Criteria: GeneDx Variant Classification (06012015). Collection method: clinical testing. Allele origin: germline. Affected: yes.
Comment: This variant is considered likely benign or benign based on one or more of the following criteria: it is a conservative change, it occurs at a poorly conserved position in the protein, it is predicted to be benign by multiple in silico algorithms, and/or has population frequency not consistent with disease.

PreventionGenetics, part of Exact Sciences
Classification: Likely benign for STIM1-related condition. Last evaluated: 2019-09-17. Review status: no assertion criteria provided. Collection method: clinical testing. Allele origin: germline. Not counted in ClinVar's aggregate classification.
Comment: This variant is classified as likely benign based on ACMG/AMP sequence variant interpretation guidelines (Richards et al. 2015 PMID: 25741868, with internal and published modifications).